The following is an entry in ClinVar:

NM_000038.6(APC):c.2815_2816del (p.Lys939fs)

Gene: APC (APC regulator of Wnt signaling pathway; plus strand). Cytogenetic location: 5q22.2.
Variant type: Deletion.
Coding change: c.2815_2816del on transcript NM_000038.6 (MANE Select); coding-DNA positions 2815 to 2816, 2 bases deleted (AA; older notation c.2815_2816delAA).
Protein change: p.Lys939fs; shifts the reading frame from lysine 939.
Molecular consequence: frameshift variant.
Genome position (GRCh38, 1-based): chr5:112,838,409-112,838,410, AA deleted. VCF-style (leftmost placement, unchanged base first): chr5-112838408-TAA-T. GRCh37 (hg19) VCF-style: chr5-112174105-TAA-T.
Other names: c.2740_2741del, p.Lys914fs (NM_001354898.2); c.2692_2693del, p.Lys898fs (NM_001354900.2); c.2731_2732del, p.Lys911fs (NM_001354899.2); c.2638_2639del, p.Lys880fs (NM_001354901.2); c.1966_1967del, p.Lys656fs (NM_001354906.2); c.2512_2513del, p.Lys838fs (NM_001354903.2); c.2335_2336del, p.Lys779fs (NM_001354905.2); c.2542_2543del, p.Lys848fs (NM_001354902.2); and 5 more; short protein forms K914fs, K911fs, K939fs, K656fs, K779fs, K880fs, K957fs, K813fs.
Identifiers: ClinVar variation 821844 (VCV000821844.4), dbSNP rs1580627539, ClinGen allele CA658760837.
Genomic context (GRCh38, chr5:112,838,408, plus strand): 5'-GAGAAATGCACTTAGAAGAAGCTCTGCTGCCCATACACATTCAAACACTTACAATTTCAC[TAA>T]GTCGGAAAATTCAAATAGGACATGTTCTATGCCTTATGCCAAATTAGAATACAAGAGATC-3'

ClinVar aggregate classification (germline): Pathogenic (1 of 4 stars; one submission).

Conditions:
Hereditary cancer-predisposing syndrome. Also called: Tumor predisposition; Hereditary Cancer Syndrome; Neoplastic Syndromes, Hereditary; Hereditary neoplastic syndrome. Identifiers: Orphanet 140162, MedGen C0027672, MeSH D009386, MONDO:0015356.

Submission:

Ambry Genetics
Classification: Pathogenic for Hereditary cancer-predisposing syndrome. Last evaluated: 2018-05-02. Review status: criteria provided, single submitter. Criteria: Ambry Variant Classification Scheme 2023. Collection method: clinical testing. Allele origin: germline.
Comment: The c.2815_2816delAA variant, located in coding exon 15 of the APC gene, results from a deletion of two nucleotides at nucleotide positions 2815 to 2816, causing a translational frameshift with a predicted alternate stop codon (p.K939Vfs*6). This alteration has been reported in 1/300 Polish familes with Familial Adenomatous Polyposis syndrome (FAP) and in 1/69 Norwegian FAP families (Plawski A and Slomski R. J. Appl. Genet. 2008;49:407-14; Andresen PA et al. J. Cancer Res. Clin. Oncol. 2009 Oct;135:1463-70). This alteration is expected to result in loss of function by premature protein truncation or nonsense-mediated mRNA decay. As such, this alteration is interpreted as a disease-causing mutation.

Literature cited by the submitters: PubMed 19029688; PubMed 19444466.